The following is an entry in ClinVar:

NM_007118.4(TRIO):c.7054C>T (p.Leu2352=)

Gene: TRIO (trio Rho guanine nucleotide exchange factor; plus strand). Cytogenetic location: 5p15.2.
Variant type: single nucleotide variant.
Coding change: c.7054C>T on transcript NM_007118.4 (MANE Select); coding-DNA position 7054, C replaced by T.
Protein change: p.Leu2352=; no amino-acid change (leucine 2352 retained).
Molecular consequence: synonymous variant. On other transcripts: non-coding transcript variant (1).
Genome position (GRCh38, 1-based): chr5:14,487,682, C>T. VCF-style: chr5-14487682-C-T. GRCh37 (hg19) VCF-style: chr5-14487791-C-T.
Identifiers: ClinVar variation 1311231 (VCV001311231.2), dbSNP rs2126636010, ClinGen allele CA443537770.

ClinVar aggregate classification (germline): Uncertain significance (1 of 4 stars; one submission).

Submission:

GeneDx
Classification: Uncertain significance. Last evaluated: 2019-12-26. Review status: criteria provided, single submitter. Criteria: GeneDx Variant Classification Process June 2021. Collection method: clinical testing. Allele origin: germline. Affected: yes.
Comment: Not observed in large population cohorts (Lek et al., 2016); In silico analysis, which includes splice predictors and evolutionary conservation, supports that this variant does not alter protein structure/function; Has not been previously published as pathogenic or benign to our knowledge